The following is an entry in ClinVar:

ClinVar aggregate classification (germline): Uncertain significance (1 of 4 stars; one submission).

Allele frequency attached by ClinVar (database versions not stated): gnomAD exomes below 0.00001.
gnomAD v4.1: 1 of 1,613,394 alleles (0.000062%); highest among the groups gnomAD compares: Admixed American, 0.0017%; no homozygotes.

Submission:

Labcorp Genetics (formerly Invitae), Labcorp
Classification: Uncertain significance. Last evaluated: 2023-12-11. Review status: criteria provided, single submitter. Criteria: Invitae Variant Classification Sherloc (09022015). Collection method: clinical testing. Allele origin: germline.
Comment: This sequence change replaces tryptophan, which is neutral and slightly polar, with arginine, which is basic and polar, at codon 477 of the PTH1R protein (p.Trp477Arg). This variant is present in population databases (no rsID available, gnomAD 0.003%). This variant has not been reported in the literature in individuals affected with PTH1R-related conditions. ClinVar contains an entry for this variant (Variation ID: 1714271). Advanced modeling of protein sequence and biophysical properties (such as structural, functional, and spatial information, amino acid conservation, physicochemical variation, residue mobility, and thermodynamic stability) performed at Invitae indicates that this missense variant is not expected to disrupt PTH1R protein function with a negative predictive value of 80%. In summary, the available evidence is currently insufficient to determine the role of this variant in disease. Therefore, it has been classified as a Variant of Uncertain Significance.

NM_000316.3(PTH1R):c.1429T>C (p.Trp477Arg)

Gene: PTH1R (parathyroid hormone 1 receptor; plus strand). Cytogenetic location: 3p21.31.
Variant type: single nucleotide variant.
Coding change: c.1429T>C on transcript NM_000316.3 (MANE Select); coding-DNA position 1429, T replaced by C.
Protein change: p.Trp477Arg; replaces tryptophan 477 with arginine.
Molecular consequence: missense variant.
Genome position (GRCh38, 1-based): chr3:46,903,303, T>C. VCF-style: chr3-46903303-T-C. GRCh37 (hg19) VCF-style: chr3-46944793-T-C.
Other names: c.1429T>C, p.Trp477Arg (NM_001184744.1); short protein forms W477R.
Identifiers: ClinVar variation 1714271 (VCV001714271.5), dbSNP rs1297538277, ClinGen allele CA352503552.